The following is an entry in ClinVar:

NM_002335.4(LRP5):c.713C>T (p.Thr238Met)

Gene: LRP5 (LDL receptor related protein 5; plus strand). Cytogenetic location: 11q13.2.
Variant type: single nucleotide variant.
Coding change: c.713C>T on transcript NM_002335.4 (MANE Select); coding-DNA position 713, C replaced by T.
Protein change: p.Thr238Met; replaces threonine 238 with methionine.
Molecular consequence: missense variant. On other transcripts: 5 prime UTR variant (1).
Genome position (GRCh38, 1-based): chr11:68,363,773, C>T. VCF-style: chr11-68363773-C-T. GRCh37 (hg19) VCF-style: chr11-68131241-C-T.
Other names: c.-1053C>T (NM_001291902.2); short protein forms T238M.
Identifiers: ClinVar variation 197205 (VCV000197205.12), dbSNP rs375404890, ClinGen allele CA245208.
Genomic context (GRCh38, chr11:68,363,773, plus strand): 5'-TGATGGCTCCTCCACCCCGCTTCCCTGACTGCAGGCAGAAGGTGGTGGAGGGCAGCCTGA[C>T]GCACCCCTTCGCCCTGACGCTCTCCGGGGACACTCTGTACTGGACAGACTGGCAGACCCG-3'
Protein context (NP_002326.2, residues 228-248): FRQKVVEGSL[Thr238Met]HPFALTLSGD

ClinVar aggregate classification (germline): Conflicting classifications of pathogenicity. Review status: criteria provided, conflicting classifications (1 of 4 stars). 3 submissions from 3 submitters: Uncertain significance (2); Likely benign (1). Last evaluated 2026-03-01.

Conditions:
Osteoporosis with pseudoglioma (OPPG). Also called: osteoporosis-pseudoglioma syndrome. Identifiers: Orphanet 2788, MedGen C0432252, MONDO:0009820, OMIM 259770.

Allele frequency attached by ClinVar (database versions not stated): TOPMed 0.00007; ESP Exome Variant Server 0.00008; gnomAD 0.00011 and 0.00014; gnomAD exomes 0.00013 and 0.00016; ExAC 0.00015; 1000 Genomes Project 30x 0.00047; 1000 Genomes Project 0.00060.

Submissions (3):

Centre for Medical Genetics,  Mumbai
Classification: Likely benign for Osteoporosis with pseudoglioma. Last evaluated: 2026-03-01. Review status: criteria provided, single submitter. Criteria: ACMG Guidelines, 2015. Collection method: provider interpretation. Allele origin: germline. Inheritance: Autosomal recessive inheritance. Affected: no. Observed: 1 variant allele, 1 homozygote.
Comment: The variant satisfies PP3 criteria; For a missense or a splicing region variant, computational prediction tools unanimously support a deleterious effect on the gene. However, the variant satisfies BS2 criteria; present in homozygous state in an individual that clinically does not have visual impairment and recurrent fractures.

Labcorp Genetics (formerly Invitae), Labcorp
Classification: Uncertain significance. Last evaluated: 2025-12-19. Review status: criteria provided, single submitter. Criteria: Invitae Variant Classification Sherloc (09022015). Collection method: clinical testing. Allele origin: germline.
Comment: This sequence change replaces threonine, which is neutral and polar, with methionine, which is neutral and non-polar, at codon 238 of the LRP5 protein (p.Thr238Met). This variant is present in population databases (rs375404890, gnomAD 0.07%). This missense change has been observed in individual(s) with autosomal dominant osteoporosis (PMID: 35123515). ClinVar contains an entry for this variant (Variation ID: 197205). Invitae Evidence Modeling of protein sequence and biophysical properties (such as structural, functional, and spatial information, amino acid conservation, physicochemical variation, residue mobility, and thermodynamic stability) has been performed for this missense variant. However, the output from this modeling did not meet the statistical confidence thresholds required to predict the impact of this variant on LRP5 protein function. In summary, the available evidence is currently insufficient to determine the role of this variant in disease. Therefore, it has been classified as a Variant of Uncertain Significance.

Eurofins Ntd Llc (ga)
Classification: Uncertain significance. Last evaluated: 2015-03-16. Review status: criteria provided, single submitter. Criteria: EGL Classification Definitions 2015. Collection method: clinical testing. Allele origin: germline. Observed: 1 variant allele, 1 heterozygote.

Literature cited by the submitters: PubMed 11719191 (cited by Centre for Medical Genetics,  Mumbai); PubMed 35123515 (cited by Labcorp Genetics (formerly Invitae), Labcorp).